The following is an entry in ClinVar:

ClinVar aggregate classification (germline): Uncertain significance. Review status: criteria provided, multiple submitters, no conflicts (2 of 4 stars). 2 submissions from 2 submitters: Uncertain significance (2). Last evaluated 2025-10-02.

Conditions:
Cardiovascular phenotype. Identifiers: MedGen CN230736.
TTN-related disorder. Also called: TTN-related condition; TTN-related disease; TTN-related disorders.

Allele frequency attached by ClinVar (database versions not stated): gnomAD 0.00001; gnomAD exomes 0.00001; TOPMed 0.00001.
gnomAD v4.1: 9 of 1,613,546 alleles (0.00056%); highest among the groups gnomAD compares: East Asian, 0.0022%; no homozygotes.

Submissions (2):

PreventionGenetics, part of Exact Sciences
Classification: Uncertain significance for TTN-related condition. Last evaluated: 2025-10-02. Review status: criteria provided, single submitter. Criteria: ACMG Guidelines, 2015. Collection method: clinical testing. Allele origin: germline.
Comment: The TTN c.15562C>A variant is predicted to result in the amino acid substitution p.Gln5188Lys. To our knowledge, this variant has not been reported in the literature. This variant is reported in 0.0023% of alleles in individuals of European (Non-Finnish) descent in gnomAD. At this time, the clinical significance of this variant is uncertain due to the absence of conclusive functional and genetic evidence.

Ambry Genetics
Classification: Uncertain significance for Cardiovascular phenotype. Last evaluated: 2013-10-16. Review status: criteria provided, single submitter. Criteria: Ambry Autosomal Dominant and X-Linked criteria (10/2015). Collection method: clinical testing. Allele origin: germline. Observed: 1 variant allele.
Comment: The p.Q3944K variant (also known as c.11830C>A) is located in coding exon 49 of the TTNgene. This alteration results from a C to A substitution at nucleotide position 11830. The glutamine at codon 3944 is replaced by lysine, an amino acid with some similar properties. This variant was not reported in population-based cohorts in the following databases: Database of Single Nucleotide Polymorphisms (dbSNP), the 1000 Genomes Project and the NHLBI Exome Sequencing Project (ESP). In the ESP, this variant was not observed in 6085 samples (12170 alleles) with coverage at this position. Based on protein sequence alignment, this amino acid position is highly conserved in available vertebrate species.In addition, this alteration is predicted to be probably damaging by PolyPhen in silico analysis.This variant has been detected in conjunction with a pathogenic mutation in MYBPC3 by our laboratory.Since supporting evidence is limited at this time, the clinical significance of this variant remains unclear.

NM_001267550.2(TTN):c.15562C>A (p.Gln5188Lys)

Gene: TTN (titin; minus strand). Cytogenetic location: 2q31.2.
Variant type: single nucleotide variant.
Coding change: c.15562C>A on transcript NM_001267550.2 (MANE Select); coding-DNA position 15562, C replaced by A.
Protein change: p.Gln5188Lys; replaces glutamine 5188 with lysine.
Molecular consequence: missense variant. On other transcripts: intron variant (3).
Genome position (GRCh38, 1-based): chr2:178,733,827, G>T on the plus strand (C>A on the coding strand, the complement: TTN is on the minus strand). VCF-style: chr2-178733827-G-T. GRCh37 (hg19) VCF-style: chr2-179598554-G-T.
Other names: c.14611C>A, p.Gln4871Lys (NM_001256850.1); c.11830C>A, p.Gln3944Lys (NM_133378.4); c.13282+4255C>A (NM_003319.4); c.13858+4255C>A (NM_133437.4); c.13657+4255C>A (NM_133432.3); short protein forms Q3944K, Q5188K, Q4871K.
Identifiers: ClinVar variation 263728 (VCV000263728.4), dbSNP rs886038908, ClinGen allele CA10587512.